The following is an entry in ClinVar:

NM_001037.5(SCN1B):c.591-16G>C

Gene: SCN1B (sodium voltage-gated channel beta subunit 1; plus strand). Cytogenetic location: 19q13.11.
Variant type: single nucleotide variant.
Coding change: c.591-16G>C on transcript NM_001037.5 (MANE Select); 16 bases into the intron before coding-DNA position 591, G replaced by C.
Molecular consequence: intron variant.
Genome position (GRCh38, 1-based): chr19:35,039,619, G>C. VCF-style: chr19-35039619-G-C. GRCh37 (hg19) VCF-style: chr19-35530523-G-C.
Other names: c.492-16G>C (NM_001321605.2).
Identifiers: ClinVar variation 2153139 (VCV002153139.4), dbSNP rs2514242042, ClinGen allele CA2576751032.

ClinVar aggregate classification (germline): Uncertain significance (1 of 4 stars; one submission).

Conditions:
Brugada syndrome 5 (BRGDA5). Identifiers: Orphanet 130, Orphanet 871, MedGen C2748541, MONDO:0013015, OMIM 612838.

Allele frequency attached by ClinVar (database versions not stated): gnomAD exomes below 0.00001.
gnomAD v4.1: 1 of 1,614,038 alleles (0.000062%); highest among the groups gnomAD compares: Non-Finnish European, 0.000085%; no homozygotes.

Submission:

Labcorp Genetics (formerly Invitae), Labcorp
Classification: Uncertain significance for Brugada syndrome 5. Last evaluated: 2025-05-11. Review status: criteria provided, single submitter. Criteria: Invitae Variant Classification Sherloc (09022015). Collection method: clinical testing. Allele origin: germline.
Comment: The SCN1B gene has multiple clinically relevant transcripts. This variant occurs in alternate transcript NM_001037.5, and corresponds to NM_199037.3:c.*5521G>C in the primary transcript. This sequence change falls in intron 4 of the SCN1B gene. It does not directly change the encoded amino acid sequence of the SCN1B protein. This variant is not present in population databases (gnomAD no frequency). This variant has not been reported in the literature in individuals affected with SCN1B-related conditions. Experimental studies and prediction algorithms are not available or were not evaluated, and the effect of this variant on mRNA splicing is currently unknown. In summary, the available evidence is currently insufficient to determine the role of this variant in disease. Therefore, it has been classified as a Variant of Uncertain Significance.